The following is an entry in ClinVar:

NM_000093.5(COL5A1):c.2485-10T>C

Gene: COL5A1 (collagen type V alpha 1 chain; plus strand). Cytogenetic location: 9q34.3.
Variant type: single nucleotide variant.
Coding change: c.2485-10T>C on transcript NM_000093.5 (MANE Select); 10 bases into the intron before coding-DNA position 2485, T replaced by C.
Molecular consequence: intron variant.
Genome position (GRCh38, 1-based): chr9:134,784,979, T>C. VCF-style: chr9-134784979-T-C. GRCh37 (hg19) VCF-style: chr9-137676825-T-C.
Other names: c.2485-10T>C (NM_001278074.1).
Identifiers: ClinVar variation 1161005 (VCV001161005.20), dbSNP rs369553063, ClinGen allele CA5319430.
Genomic context (GRCh38, chr9:134,784,979, plus strand): 5'-TCAGAATGGTGGTGGAGAATAGTGTGTGTGCGGGGGGTGGTCTTCTCACCTCCTCTTTTC[T>C]GGCTTGCAGGGGGAGATCGGCCCACCCGGTCCCAGGGGAGAAGATGGCCCTGAAGGCCCA-3'

ClinVar aggregate classification (germline): Likely benign. Review status: criteria provided, multiple submitters, no conflicts (2 of 4 stars). 6 submissions from 6 submitters: Likely benign (5). 1 of the submissions does not count toward it. Last evaluated 2025-11-17.

Conditions:
COL5A1-related disorder. Also called: COL5A1-related condition.
Ehlers-Danlos syndrome, classic type, 1 (EDSCL1). Also called: Ehlers-Danlos syndrome, type 1; Ehlers-Danlos Syndrome, Classic Type, COL5A1-Related; EDS I; EHLERS-DANLOS SYNDROME, GRAVIS TYPE; EHLERS-DANLOS SYNDROME, SEVERE CLASSIC TYPE. Identifiers: MedGen C0268335, MONDO:0019567, OMIM 130000.
Ehlers-Danlos syndrome (EDS). Identifiers: Orphanet 98249, MedGen C0013720, MONDO:0020066.

Allele frequency attached by ClinVar (database versions not stated): ExAC 0.00003; gnomAD 0.00003 and 0.00004; gnomAD exomes 0.00003; TOPMed 0.00003; ESP Exome Variant Server 0.00008.
gnomAD v4.1: 41 of 1,608,070 alleles (0.0025%); highest among the groups gnomAD compares: Middle Eastern, 0.016%; no homozygotes.

Submissions (6):

Women's Health and Genetics/Laboratory Corporation of America, LabCorp
Classification: Likely benign. Last evaluated: 2025-11-17. Review status: criteria provided, single submitter. Criteria: LabCorp Variant Classification Summary - May 2015. Collection method: clinical testing. Allele origin: germline.
Comment: Variant summary: COL5A1 c.2485-10T>C alters a nucleotide located at a position not widely known to affect splicing. Consensus agreement among computation tools predict no significant impact on normal splicing. However, these predictions have yet to be confirmed by functional studies. The variant allele was found at a frequency of 3.2e-05 in 249614 control chromosomes. The available data on variant occurrences in the general population are insufficient to allow any conclusion about variant significance. To our knowledge, no occurrence of c.2485-10T>C in individuals affected with COL5A1-related conditions and no experimental evidence demonstrating its impact on protein function have been reported. ClinVar contains an entry for this variant (Variation ID: 1161005). Based on the evidence outlined above, the variant was classified as likely benign.

Labcorp Genetics (formerly Invitae), Labcorp
Classification: Likely benign for Ehlers-Danlos syndrome, classic type, 1. Last evaluated: 2025-09-06. Review status: criteria provided, single submitter. Criteria: Invitae Variant Classification Sherloc (09022015). Collection method: clinical testing. Allele origin: germline.

Blueprint Genetics
Classification: Likely benign. Last evaluated: 2024-07-29. Review status: criteria provided, single submitter. Criteria: ACMG Guidelines, 2015. Collection method: clinical testing. Allele origin: germline.

GeneDx
Classification: Likely benign. Last evaluated: 2020-10-02. Review status: criteria provided, single submitter. Criteria: GeneDx Variant Classification Process June 2021. Collection method: clinical testing. Allele origin: germline. Affected: yes.

Genome Diagnostics Laboratory, The Hospital for Sick Children
Classification: Likely benign for Ehlers-Danlos syndrome. Last evaluated: 2019-12-01. Review status: criteria provided, single submitter. Criteria: ACMG Guidelines, 2015. Collection method: clinical testing. Allele origin: germline.

PreventionGenetics, part of Exact Sciences
Classification: Likely benign for COL5A1-related condition. Last evaluated: 2019-04-10. Review status: no assertion criteria provided. Collection method: clinical testing. Allele origin: germline. Not counted in ClinVar's aggregate classification.
Comment: This variant is classified as likely benign based on ACMG/AMP sequence variant interpretation guidelines (Richards et al. 2015 PMID: 25741868, with internal and published modifications).